The following is an entry in ClinVar:

NM_000548.5(TSC2):c.1783C>T (p.Gln595Ter)

Gene: TSC2 (TSC complex subunit 2; plus strand). Cytogenetic location: 16p13.3.
Variant type: single nucleotide variant.
Coding change: c.1783C>T on transcript NM_000548.5 (MANE Select); coding-DNA position 1783, C replaced by T.
Protein change: p.Gln595Ter; replaces glutamine 595 with a stop codon.
Molecular consequence: nonsense.
Genome position (GRCh38, 1-based): chr16:2,070,522, C>T. VCF-style: chr16-2070522-C-T. GRCh37 (hg19) VCF-style: chr16-2120523-C-T.
Other names: c.1783C>T, p.Gln595Ter (NM_021055.3, NM_001077183.3, NM_001114382.3 and 3 more transcripts); c.1672C>T, p.Gln558Ter (NM_001318827.2); c.1636C>T, p.Gln546Ter (NM_001318829.2); c.1183C>T, p.Gln395Ter (NM_001318831.2); c.1816C>T, p.Gln606Ter (NM_001318832.2); short protein forms Q595*, Q606*, Q395*, Q558*, Q546*.
Identifiers: ClinVar variation 49174 (VCV000049174.8), dbSNP rs45517199, ClinGen allele CA015705.

ClinVar aggregate classification (germline): Pathogenic. Review status: criteria provided, multiple submitters, no conflicts (2 of 4 stars). 4 submissions from 4 submitters: Pathogenic (3). 1 of the submissions does not count toward it. Last evaluated 2024-06-23.

Conditions:
Tuberous sclerosis syndrome (TSC). Also called: Tuberous Sclerosis Complex; Tuberous sclerosis. Identifiers: Orphanet 805, MedGen C0041341, MONDO:0001734.
Tuberous sclerosis 2 (TSC2). Identifiers: Orphanet 805, MedGen C1860707, MONDO:0013199, OMIM 613254.

Submissions (4):

Labcorp Genetics (formerly Invitae), Labcorp
Classification: Pathogenic for Tuberous sclerosis 2. Last evaluated: 2024-06-23. Review status: criteria provided, single submitter. Criteria: Invitae Variant Classification Sherloc (09022015). Collection method: clinical testing. Allele origin: germline.
Comment: This sequence change creates a premature translational stop signal (p.Gln595*) in the TSC2 gene. It is expected to result in an absent or disrupted protein product. Loss-of-function variants in TSC2 are known to be pathogenic (PMID: 10205261, 17304050). This variant is not present in population databases (gnomAD no frequency). This premature translational stop signal has been observed in individual(s) with clinical features of tuberous sclerosis complex (PMID: 11112665). ClinVar contains an entry for this variant (Variation ID: 49174). For these reasons, this variant has been classified as Pathogenic.

GeneDx
Classification: Pathogenic. Last evaluated: 2022-03-22. Review status: criteria provided, single submitter. Criteria: GeneDx Variant Classification Process June 2021. Collection method: clinical testing. Allele origin: germline. Affected: yes.
Comment: Reported previously in patients with a clinical diagnosis of TSC (Dabora et al., 2001; Rendtorff et al., 2005); Nonsense variant predicted to result in protein truncation or nonsense mediated decay in a gene for which loss-of-function is a known mechanism of disease; Not observed in large population cohorts (gnomAD); This variant is associated with the following publications: (PMID: 25525159, 11112665, 16114042, 15798777, 34680378, 30747827)

Athena Diagnostics
Classification: Pathogenic. Last evaluated: 2018-12-18. Review status: criteria provided, single submitter. Criteria: Athena Diagnostics Criteria. Collection method: clinical testing. Allele origin: germline.
Comment: The variant creates a premature nonsense codon, and is therefore predicted to result in the loss of a functional protein. Found in at least one symptomatic patient, and not found in general population data.

Tuberous sclerosis database (TSC2)
No classification provided. Condition: TSC. Review status: no classification provided. Criteria: Tuberous Sclerosis Database Assertion Criteria 2015. Collection method: curation. Allele origin: germline. Affected: yes. Not counted in ClinVar's aggregate classification.

Literature cited by the submitters: PubMed 10205261 (cited by Labcorp Genetics (formerly Invitae), Labcorp); PubMed 17304050 (cited by Labcorp Genetics (formerly Invitae), Labcorp); PubMed 11112665 (cited by Labcorp Genetics (formerly Invitae), Labcorp and Athena Diagnostics); PubMed 25525159 (cited by Athena Diagnostics); PubMed 16114042 (cited by Athena Diagnostics).